The following is an entry in ClinVar:

ClinVar aggregate classification (germline): Likely benign. Review status: criteria provided, multiple submitters, no conflicts (2 of 4 stars). 3 submissions from 3 submitters: Likely benign (3). Last evaluated 2026-08-01.

Conditions:
Inborn genetic diseases. Identifiers: MedGen C0950123, MeSH D030342.
Cowden syndrome (CS). Also called: Cowden's disease; Cowden's syndrome; Cowden disease. Identifiers: Orphanet 201, MedGen C0018553, MONDO:0016063. Disease mechanism: gain of function.

Allele frequency attached by ClinVar (database versions not stated): ExAC 0.00001; gnomAD exomes 0.00001 and 0.00002; TOPMed 0.00002; gnomAD 0.00003.
gnomAD v4.1: 20 of 1,607,880 alleles (0.0012%); highest among the groups gnomAD compares: Middle Eastern, 0.017%; no homozygotes.

Submissions (3):

CeGaT Center for Human Genetics Tuebingen
Classification: Likely benign. Last evaluated: 2026-08-01. Review status: criteria provided, single submitter. Criteria: CeGaT Center For Human Genetics Tuebingen Variant Classification Criteria Version 2. Collection method: clinical testing. Allele origin: germline. Affected: yes. Observed: 1 variant allele.
Comment: PIK3CA: BP4, BP7

Labcorp Genetics (formerly Invitae), Labcorp
Classification: Likely benign for Cowden syndrome. Last evaluated: 2023-07-17. Review status: criteria provided, single submitter. Criteria: Invitae Variant Classification Sherloc (09022015). Collection method: clinical testing. Allele origin: germline.

Ambry Genetics
Classification: Likely benign for Inborn genetic diseases. Last evaluated: 2023-06-07. Review status: criteria provided, single submitter. Criteria: Ambry Variant Classification Scheme 2023. Collection method: clinical testing. Allele origin: germline.

NM_006218.4(PIK3CA):c.2496A>G (p.Arg832=)

Gene: PIK3CA (phosphatidylinositol-4,5-bisphosphate 3-kinase catalytic subunit alpha; plus strand). Cytogenetic location: 3q26.32.
Variant type: single nucleotide variant.
Coding change: c.2496A>G on transcript NM_006218.4 (MANE Select); coding-DNA position 2496, A replaced by G.
Protein change: p.Arg832=; no amino-acid change (arginine 832 retained).
Molecular consequence: synonymous variant.
Genome position (GRCh38, 1-based): chr3:179,229,272, A>G. VCF-style: chr3-179229272-A-G. GRCh37 (hg19) VCF-style: chr3-178947060-A-G.
Identifiers: ClinVar variation 861539 (VCV000861539.13), dbSNP rs201269713, ClinGen allele CA2710977.
Genomic context (GRCh38, chr3:179,229,272, plus strand): 5'-AAAACATTTGCTATTTTAAAATTCCATCATTTAATTGTAAACGTGTTACTCCTCTTTCAG[A>G]ATGTTACCTTATGGTTGTCTGTCAATCGGTGACTGTGTGGGACTTATTGAGGTGGTGCGA-3'
Protein context (NP_006209.2, residues 822-842): NIWQNQGLDL[Arg832=]MLPYGCLSIG